The following continues an entry in ClinVar:

NM_001943.5(DSG2):c.137G>A (p.Arg46Gln)

Gene: DSG2. ClinVar aggregate classification (germline): Pathogenic/Likely pathogenic. Pathogenic (13); Likely pathogenic (2).

Submissions 7 to 20 of 20:

Victorian Clinical Genetics Services, Murdoch Childrens Research Institute
Classification: Pathogenic for Arrhythmogenic right ventricular dysplasia 10. Last evaluated: 2022-02-02. Review status: criteria provided, single submitter. Criteria: ACMG Guidelines, 2015. Collection method: clinical testing. Allele origin: germline. Inheritance: Autosomal dominant inheritance. Affected: yes.
Comment: Based on the classification scheme VCGS_Germline_v1.3.4, this variant is classified as Pathogenic. Following criteria are met: 0103 - Loss of function and gain of function are reported mechanisms of disease in this gene and are associated with arrhythmogenic right ventricular dysplasia 10 (ARVD; MIM#610193) and dilated cardiomyopathy 1BB (DCM; MIM#612877) (ClinVar, PMID: 23071725). (I) 0108 - This gene is associated with both recessive and dominant disease. It is commonly associated to dominant inheritance, however recessive has been reported in severe DCM patients (OMIM). (I) 0112 - The ARVD condition associated with this gene has incomplete penetrance (OMIM). (I) 0200 - Variant is predicted to result in a missense amino acid change from arginine to glutamine. (I) 0251 - This variant is heterozygous. (I) 0302 - Variant is present in gnomAD (v2, v3) <0.001 for a dominant condition (1 heterozygote, 0 homozygotes). (SP) 0309 - An alternative amino acid change at the same position has been observed in gnomAD (v2) (1 heterozygote, 0 homozygotes). (I) 0502 - Missense variant with conflicting in silico predictions and uninformative conservation. (I) 0601 - Variant is located in the well-established functional R-X-R/K-R furin cleavage site (PMID: 23381804). (SP) 0704 - Another missense variant comparable to the one identified in this case has limited previous evidence for pathogenicity. An alternate change to tryptophan (p.(Arg46Trp)) has previously been reported as pathogenic and likely pathogenic (ClinVar, PMID: 20400443, PMID: 29178656). (SP) 0801 - This variant has strong previous evidence of pathogenicity in unrelated individuals. The variant has been previously reported as pathogenic in multiple patients with arrhythmogenic right ventricular dysplasia/cardiomyopathy (ClinVar, Cardiomyopathy Database, PMID: 16773573, PMID: 23381804). (SP) 1002 - This variant has moderate functional evidence supporting abnormal protein function. Functional studies in transfected cells showed increased binding, consistent with a gain of function effect (PMID: 23071725). (SP) 1208 - Inheritance information for this variant is not currently available in this individual. (I) Legend: (SP) - Supporting pathogenic, (I) - Information, (SB) - Supporting benign

GeneDx
Classification: Pathogenic. Last evaluated: 2021-10-21. Review status: criteria provided, single submitter. Criteria: GeneDx Variant Classification Process June 2021. Collection method: clinical testing. Allele origin: germline. Affected: yes.
Comment: Reported in ClinVar as pathogenic (ClinVar Variant ID#16812; ClinVar); Not observed at significant frequency in large population cohorts (gnomAD); In silico analysis supports that this missense variant has a deleterious effect on protein structure/function; This substitution has been shown to impair prodomain cleavage and occurs at a position that is conserved across species (Gaertner et al., 2012); This variant is associated with the following publications: (PMID: 28097316, 23911551, 20857253, 23137101, 26688388, 24967631, 21606396, 16773573, 20400443, 21606390, 20031616, 20031617, 29343803, 31542937, 31386562, 31402444, 30790397, 33019804, 31845994, 23071725, 23381804, 26582918)

Fulgent Genetics
Classification: Pathogenic for Arrhythmogenic right ventricular dysplasia 10; Dilated cardiomyopathy 1BB. Last evaluated: 2021-07-20. Review status: criteria provided, single submitter. Criteria: ACMG Guidelines, 2015. Collection method: clinical testing. Allele origin: unknown.

HudsonAlpha Institute for Biotechnology
Classification: Pathogenic for Arrhythmogenic right ventricular dysplasia 10. Last evaluated: 2020-12-16. Review status: criteria provided, single submitter. Criteria: ACMG Guidelines, 2015. Collection method: research. Allele origin: unknown. Affected: yes. Observed: 1 variant allele. Study: HudsonAlpha-AGHI-WGS.
Comment: ACMG codes:PS3,PS4M,PM2,PP3,PP5,

Blueprint Genetics
Classification: Pathogenic for DSG2-related disorders. Last evaluated: 2020-09-19. Review status: criteria provided, single submitter. Criteria: ACMG Guidelines, 2015. Collection method: clinical testing. Allele origin: germline. Affected: yes. Observed: 1 variant allele.

CHEO Genetics Diagnostic Laboratory, Children's Hospital of Eastern Ontario
Classification: Likely pathogenic for Cardiomyopathy. Last evaluated: 2019-10-30. Review status: criteria provided, single submitter. Criteria: ACMG Guidelines, 2015. Collection method: clinical testing. Allele origin: germline.

Human Genome Sequencing Center Clinical Lab, Baylor College of Medicine
Classification: Pathogenic for Arrhythmogenic right ventricular dysplasia/cardiomyopathy, type 10. Last evaluated: 2019-02-05. Review status: criteria provided, single submitter. Criteria: ACMG Guidelines, 2015. Collection method: clinical testing. Allele origin: germline.
Comment: This c.137G>A (p.Arg46Gln) variant in the DSG2 gene is reported in multiple probands affected with arrhythmogenic right ventricular dysplasia/cardiomyopathy (PMID 16773573, 20031616, 20031617, 20400443, 21606390, 21606396, 23381804) and segregates with disease in some of the families (PMID 23071725, 23381804). Functional studies showed this is a potential gain-of-function variant which produces a mutant protein product with extended N-terminus (PMID 23381804). In addition, this variant is predicted to be damaging by multiple in silico algorithms. Therefore, the c.137G>A (p.Arg46Gln) variant in the DSG2 gene is classified as pathogenic.

Laboratory for Molecular Medicine, Mass General Brigham Personalized Medicine
Classification: Pathogenic for Arrhythmogenic right ventricular cardiomyopathy. Last evaluated: 2017-02-01. Review status: criteria provided, single submitter. Criteria: LMM Criteria. Collection method: clinical testing. Allele origin: germline. Inheritance: Autosomal dominant inheritance. Observed: 3 variant alleles.
Comment: proposed classification - variant undergoing re-assessment, contact laboratory

Stanford Center for Inherited Cardiovascular Disease, Stanford University
Classification: Likely pathogenic. Last evaluated: 2014-02-06. Review status: criteria provided, single submitter. Criteria: ACMG Guidelines, 2015. Collection method: provider interpretation. Allele origin: germline.

OMIM
Classification: Pathogenic for ARRHYTHMOGENIC RIGHT VENTRICULAR DYSPLASIA, FAMILIAL, 10. Last evaluated: 2006-07-01. Review status: no assertion criteria provided. Collection method: literature only. Allele origin: germline. Not counted in ClinVar's aggregate classification.

Clinical Genetics DNA and cytogenetics Diagnostics Lab, Erasmus MC, Erasmus Medical Center
Classification: Pathogenic. Review status: no assertion criteria provided. Collection method: clinical testing. Allele origin: germline. Affected: yes. Study: VKGL Data-share Consensus. Not counted in ClinVar's aggregate classification.

Clinical Genetics, Academic Medical Center
Classification: Pathogenic. Review status: no assertion criteria provided. Collection method: clinical testing. Allele origin: germline. Affected: yes. Study: VKGL Data-share Consensus. Not counted in ClinVar's aggregate classification.

Genome Diagnostics Laboratory, University Medical Center Utrecht
Classification: Pathogenic. Review status: no assertion criteria provided. Collection method: clinical testing. Allele origin: germline. Affected: yes. Study: VKGL Data-share Consensus. Not counted in ClinVar's aggregate classification.

Joint Genome Diagnostic Labs from Nijmegen and Maastricht, Radboudumc and MUMC+
Classification: Pathogenic. Review status: no assertion criteria provided. Collection method: clinical testing. Allele origin: germline. Affected: yes. Study: VKGL Data-share Consensus. Not counted in ClinVar's aggregate classification.

Literature cited by the submitters: PubMed 16773573 (cited by 5 submitters); PubMed 23381804 (cited by 6 submitters); PubMed 30790397 (cited by 4 submitters); PubMed 31542937 (cited by 4 submitters); PubMed 23071725 (cited by 6 submitters); PubMed 12586364 (cited by Ambry Genetics); PubMed 20031616 (cited by Ambry Genetics and Laboratory for Molecular Medicine, Mass General Brigham Personalized Medicine); PubMed 20031617 (cited by Ambry Genetics and Laboratory for Molecular Medicine, Mass General Brigham Personalized Medicine); PubMed 20400443 (cited by 3 submitters); PubMed 20857253 (cited by Ambry Genetics and Laboratory for Molecular Medicine, Mass General Brigham Personalized Medicine); PubMed 21606390 (cited by Ambry Genetics and Laboratory for Molecular Medicine, Mass General Brigham Personalized Medicine); PubMed 21606396 (cited by Ambry Genetics and Laboratory for Molecular Medicine, Mass General Brigham Personalized Medicine); PubMed 23137101 (cited by Ambry Genetics); PubMed 24704780 (cited by Ambry Genetics); PubMed 24967631 (cited by Ambry Genetics); PubMed 26688388 (cited by Ambry Genetics); PubMed 29343803 (cited by Ambry Genetics); PubMed 31386562 (cited by 3 submitters); PubMed 31845994 (cited by 3 submitters); PubMed 32268277 (cited by All of Us Research Program, National Institutes of Health and Color Diagnostics, LLC DBA Color Health); PubMed 33821670 (cited by All of Us Research Program, National Institutes of Health and Color Diagnostics, LLC DBA Color Health); PubMed 29178656 (cited by Victorian Clinical Genetics Services, Murdoch Childrens Research Institute).